The following is an entry in ClinVar:

ClinVar aggregate classification (germline): Uncertain significance (1 of 4 stars; one submission).

Allele frequency attached by ClinVar (database versions not stated): gnomAD exomes below 0.00001.
gnomAD v4.1: 3 of 1,608,450 alleles (0.00019%); highest among the groups gnomAD compares: Non-Finnish European, 0.00017%; no homozygotes.

Submission:

Women's Health and Genetics/Laboratory Corporation of America, LabCorp
Classification: Uncertain significance. Last evaluated: 2021-08-28. Review status: criteria provided, single submitter. Criteria: LabCorp Variant Classification Summary - May 2015. Collection method: clinical testing. Allele origin: germline.
Comment: Variant summary: SOS1 c.214-12C>T alters a non-conserved nucleotide located close to a canonical splice site and therefore could affect mRNA splicing, leading to a significantly altered protein sequence. 3/4 computational tools predict no significant impact on normal splicing. However, these predictions have yet to be confirmed by functional studies. The variant was absent in 248700 control chromosomes. The available data on variant occurrences in the general population are insufficient to allow any conclusion about variant significance. To our knowledge, no occurrence of c.214-12C>T in individuals affected with Noonan Syndrome and no experimental evidence demonstrating its impact on protein function have been reported. No clinical diagnostic laboratories have submitted clinical-significance assessments for this variant to ClinVar after 2014. Based on the evidence outlined above, the variant was classified as uncertain significance.

NM_005633.4(SOS1):c.214-12C>T

Gene: SOS1 (SOS Ras/Rac guanine nucleotide exchange factor 1; minus strand). Cytogenetic location: 2p22.1.
Variant type: single nucleotide variant.
Coding change: c.214-12C>T on transcript NM_005633.4 (MANE Select); 12 bases into the intron before coding-DNA position 214, C replaced by T.
Molecular consequence: intron variant.
Genome position (GRCh38, 1-based): chr2:39,058,816, G>A on the plus strand (C>T on the coding strand, the complement: SOS1 is on the minus strand). VCF-style: chr2-39058816-G-A. GRCh37 (hg19) VCF-style: chr2-39285957-G-A.
Other names: c.193-12C>T (NM_001382394.1); c.214-12C>T (NM_001382395.1).
Identifiers: ClinVar variation 1217281 (VCV001217281.1), dbSNP rs2124610999, ClinGen allele CA2499215947.